The following is an entry in ClinVar:

NM_000158.4(GBE1):c.1245_1258del (p.Gly416fs)

Gene: GBE1 (1,4-alpha-glucan branching enzyme 1; minus strand). Cytogenetic location: 3p12.2.
Variant type: Deletion.
Coding change: c.1245_1258del on transcript NM_000158.4 (MANE Select); coding-DNA positions 1245 to 1258, 14 bases deleted (AGGAATGCCAGCTC).
Protein change: p.Gly416fs; shifts the reading frame from glycine 416.
Molecular consequence: frameshift variant.
Genome position (GRCh38, 1-based): chr3:81,586,169-81,586,182, GAGCTGGCATTCCT deleted on the plus strand (AGGAATGCCAGCTC on the coding strand, the reverse complement: GBE1 is on the minus strand); deleting any 14 consecutive bases within chr3:81,586,169-81,586,184 gives the same sequence; the c. name uses the placement nearest the transcript's 3' end. VCF-style (leftmost placement, unchanged base first): chr3-81586168-AGAGCTGGCATTCCT-A. GRCh37 (hg19) VCF-style: chr3-81635319-AGAGCTGGCATTCCT-A.
Other names: c.1245_1258del14 (NM_000158.3); short protein forms G416fs.
Identifiers: ClinVar variation 862675 (VCV000862675.7), dbSNP rs1703800818, ClinGen allele CA916082582.

ClinVar aggregate classification (germline): Pathogenic/Likely pathogenic. Review status: criteria provided, multiple submitters, no conflicts (2 of 4 stars). 2 submissions from 2 submitters: Pathogenic (1); Likely pathogenic (1). Last evaluated 2022-06-02.

Conditions:
Glycogen storage disease IV, classic hepatic. Also called: GSD IV, CLASSIC HEPATIC. Identifiers: MedGen C1856301.
Glycogen storage disease, type IV (GSD4). Also called: AMYLOPECTINOSIS; ANDERSEN DISEASE; BRANCHER DEFICIENCY; CIRRHOSIS, FAMILIAL, WITH DEPOSITION OF ABNORMAL GLYCOGEN; Glycogen storage disease due to glycogen branching enzyme deficiency; GBE1 DEFICIENCY. Identifiers: Orphanet 367, MedGen C0017923, MONDO:0009292, OMIM 232500.

Submissions (2):

Women's Health and Genetics/Laboratory Corporation of America, LabCorp
Classification: Likely pathogenic for Glycogen storage disease, type IV. Last evaluated: 2022-06-02. Review status: criteria provided, single submitter. Criteria: LabCorp Variant Classification Summary - May 2015. Collection method: clinical testing. Allele origin: germline.
Comment: Variant summary: GBE1 c.1245_1258del14 (p.Gly416ValfsX12) results in a premature termination codon, predicted to cause a truncation of the encoded protein or absence of the protein due to nonsense mediated decay, which are commonly known mechanisms for disease. Truncations downstream of this position have been classified as pathogenic by our laboratory. The variant was absent in 243330 control chromosomes (gnomAD). To our knowledge, no occurrence of c.1245_1258del14 in individuals affected with Glycogen Storage Disease, Type IV and no experimental evidence demonstrating its impact on protein function have been reported. One ClinVar submitter has assessed the variant since 2014: the variant was classified as pathogenic. Based on the evidence outlined above, the variant was classified as likely pathogenic.

Labcorp Genetics (formerly Invitae), Labcorp
Classification: Pathogenic for Glycogen storage disease, type IV; Glycogen storage disease IV, classic hepatic. Last evaluated: 2019-02-22. Review status: criteria provided, single submitter. Criteria: Invitae Variant Classification Sherloc (09022015). Collection method: clinical testing. Allele origin: germline.
Comment: For these reasons, this variant has been classified as Pathogenic. Loss-of-function variants in GBE1 are known to be pathogenic (PMID: 9851430, 15452297, 20058079, 23034915). This variant has not been reported in the literature in individuals with GBE1-related conditions. This variant is not present in population databases (ExAC no frequency). This sequence change creates a premature translational stop signal (p.Gly416Valfs*12) in the GBE1 gene. It is expected to result in an absent or disrupted protein product.

Literature cited by the submitters: PubMed 9851430 (cited by Labcorp Genetics (formerly Invitae), Labcorp); PubMed 15452297 (cited by Labcorp Genetics (formerly Invitae), Labcorp); PubMed 20058079 (cited by Labcorp Genetics (formerly Invitae), Labcorp); PubMed 23034915 (cited by Labcorp Genetics (formerly Invitae), Labcorp).